The following is an entry in ClinVar:

ClinVar aggregate classification (germline): Uncertain significance (1 of 4 stars; one submission).

Submission:

Women's Health and Genetics/Laboratory Corporation of America, LabCorp
Classification: Uncertain significance. Last evaluated: 2022-03-16. Review status: criteria provided, single submitter. Criteria: LabCorp Variant Classification Summary - May 2015. Collection method: clinical testing. Allele origin: germline.
Comment: Variant summary: The variant identified by MLPA or other technology involves the duplication of exons 1-15 in the CPLANE1 gene, where exon 2 contains the initiator codon. A presumed nomenclature of c.(?_-232)_(2746+1_2747-1)dup has been designated for the purposes of this classification. It has been assumed that this is a tandem duplication in direct orientation (Richardson_GIM_2018, Newman_AJHG_2015). Since the exact breakpoints of this duplication are not known, it is not possible to predict the protein level effect of this variant. A variant involving the duplication of exons 1-15 together with a large DNA segment (~445 kbp) extending upstream of the gene (which also includes the NUP155 gene, and a part of the WDR70 gene) was found at a frequency of 4.6e-05 (i.e. 1 allele) in 21694 control chromosomes in the gnomAD database (structural variants dataset). The available data on variant occurrences in the general population are insufficient to allow any conclusion about variant significance. To our knowledge, no occurrence of c.(?_-232)_(2746+1_2747-1)dup in individuals affected with Joubert Syndrome and Related Disorders and no experimental evidence demonstrating its impact on protein function have been reported. No clinical diagnostic laboratories have submitted clinical-significance assessments for this variant to ClinVar after 2014. In conclusion, while it may be assumed that duplication variants including a large DNA segment upstream of the gene (i.e. containing essential promoter- and other regulatory elements) might result in regular transcription initiation leading to in an intact protein product, shorter tandem duplication variants involving the first 15 exons could result in a frameshift or in-frame duplication change causing disease. Since it is not possible to distinguish between these two outcomes in the context of this evaluation, the variant was classified as uncertain significance.

NC_000005.9:g.(37213835_37221425)_(37249531_?)dup

Gene: CPLANE1 (ciliogenesis and planar polarity effector complex subunit 1; minus strand). Cytogenetic location: 5p13.2.
Variant type: Duplication.
Identifiers: ClinVar variation 1677124 (VCV001677124.1).